The following is an entry in ClinVar:

ClinVar aggregate classification (germline): Uncertain significance (1 of 4 stars; one submission).

Conditions:
FG syndrome (FGS). Identifiers: MedGen C0220769, MONDO:0002010.

gnomAD v4.1: 6 of 1,206,019 alleles (0.0005%); highest among the groups gnomAD compares: East Asian, 0.003%; no homozygotes.

Submission:

Labcorp Genetics (formerly Invitae), Labcorp
Classification: Uncertain significance for FG syndrome. Last evaluated: 2025-05-25. Review status: criteria provided, single submitter. Criteria: Invitae Variant Classification Sherloc (09022015). Collection method: clinical testing. Allele origin: germline.
Comment: This sequence change replaces arginine, which is basic and polar, with cysteine, which is neutral and slightly polar, at codon 1343 of the MED12 protein (p.Arg1343Cys). This variant is not present in population databases (gnomAD no frequency). This variant has not been reported in the literature in individuals affected with MED12-related conditions. Invitae Evidence Modeling of protein sequence and biophysical properties (such as structural, functional, and spatial information, amino acid conservation, physicochemical variation, residue mobility, and thermodynamic stability) has been performed for this missense variant. However, the output from this modeling did not meet the statistical confidence thresholds required to predict the impact of this variant on MED12 protein function. In summary, the available evidence is currently insufficient to determine the role of this variant in disease. Therefore, it has been classified as a Variant of Uncertain Significance.

NM_005120.3(MED12):c.4027C>T (p.Arg1343Cys)

Gene: MED12 (mediator complex subunit 12; plus strand). Cytogenetic location: Xq13.1.
Variant type: single nucleotide variant.
Coding change: c.4027C>T on transcript NM_005120.3 (MANE Select); coding-DNA position 4027, C replaced by T.
Protein change: p.Arg1343Cys; replaces arginine 1343 with cysteine.
Molecular consequence: missense variant.
Genome position (GRCh38, 1-based): chrX:71,130,194, C>T. VCF-style: chrX-71130194-C-T. GRCh37 (hg19) VCF-style: chrX-70350044-C-T.
Other names: short protein forms R1343C.
Identifiers: ClinVar variation 4801076 (VCV004801076.1).